The following is an entry in ClinVar:

ClinVar aggregate classification (germline): Pathogenic (1 of 4 stars; one submission).

Conditions:
Hereditary spastic paraplegia 11. Also called: Spastic Paraplegia 11; Nakamura Osame syndrome; Autosomal recessive hereditary spastic paraplegia, mental impairment, and thin corpus callosum; SPASTIC PARAPLEGIA, AUTOSOMAL RECESSIVE, COMPLICATED, WITH THIN CORPUS CALLOSUM; SPASTIC PARAPLEGIA, AUTOSOMAL RECESSIVE, WITH MENTAL IMPAIRMENT AND THIN CORPUS CALLOSUM; Spastic paraplegia, mental retardation and thin corpus callosum. Identifiers: Orphanet 2822, MedGen C1858479, MONDO:0011445, OMIM 604360.

Submission:

Labcorp Genetics (formerly Invitae), Labcorp
Classification: Pathogenic for Hereditary spastic paraplegia 11. Last evaluated: 2021-03-17. Review status: criteria provided, single submitter. Criteria: Invitae Variant Classification Sherloc (09022015). Collection method: clinical testing. Allele origin: germline.
Comment: For these reasons, this variant has been classified as Pathogenic. This variant has not been reported in the literature in individuals with SPG11-related conditions. This variant is not present in population databases (ExAC no frequency). This sequence change creates a premature translational stop signal (p.Lys1333*) in the SPG11 gene. It is expected to result in an absent or disrupted protein product. Loss-of-function variants in SPG11 are known to be pathogenic (PMID: 19105190, 20110243, 22154821).

Literature cited by the submitters: PubMed 19105190; PubMed 20110243; PubMed 22154821.

NM_025137.4(SPG11):c.3997A>T (p.Lys1333Ter)

Gene: SPG11 (SPG11 vesicle trafficking associated, spatacsin; minus strand). Cytogenetic location: 15q21.1.
Variant type: single nucleotide variant.
Coding change: c.3997A>T on transcript NM_025137.4 (MANE Select); coding-DNA position 3997, A replaced by T.
Protein change: p.Lys1333Ter; replaces lysine 1333 with a stop codon.
Molecular consequence: nonsense.
Genome position (GRCh38, 1-based): chr15:44,598,269, T>A on the plus strand (A>T on the coding strand, the complement: SPG11 is on the minus strand). VCF-style: chr15-44598269-T-A. GRCh37 (hg19) VCF-style: chr15-44890467-T-A.
Other names: c.3997A>T, p.Lys1333Ter (NM_001160227.2); short protein forms K1333*.
Identifiers: ClinVar variation 1456680 (VCV001456680.6), dbSNP rs2140976871, ClinGen allele CA392229672.